The following is an entry in ClinVar:

ClinVar aggregate classification (germline): Pathogenic/Likely pathogenic. Review status: criteria provided, multiple submitters, no conflicts (2 of 4 stars). 5 submissions from 5 submitters: Pathogenic (2); Likely pathogenic (3). Last evaluated 2026-07-01.

Conditions:
Dystonia 24 (DYT24). Also called: DYT-ANO3. Identifiers: Orphanet 420485, MedGen C3554374, MONDO:0014019, OMIM 615034.
Dystonic disorder. Also called: Dystonia. Identifiers: MedGen C0013421, MONDO:0003441, HP:0001332.

Allele frequency attached by ClinVar (database versions not stated): gnomAD exomes below 0.00001.
gnomAD v4.1: 1 of 1,613,826 alleles (0.000062%); highest among the groups gnomAD compares: Non-Finnish European, 0.000085%; no homozygotes.

Submissions (5):

CeGaT Center for Human Genetics Tuebingen
Classification: Likely pathogenic. Last evaluated: 2026-07-01. Review status: criteria provided, single submitter. Criteria: CeGaT Center For Human Genetics Tuebingen Variant Classification Criteria Version 2. Collection method: clinical testing. Allele origin: germline. Affected: yes. Observed: 1 variant allele.
Comment: ANO3: PM2, PS2:Moderate, PS4:Moderate

GeneDx
Classification: Pathogenic. Last evaluated: 2025-04-19. Review status: criteria provided, single submitter. Criteria: GeneDx Variant Classification Process June 2021. Collection method: clinical testing. Allele origin: germline. Affected: yes.
Comment: Not observed at significant frequency in large population cohorts (gnomAD); In silico analysis supports that this missense variant has a deleterious effect on protein structure/function; This variant is associated with the following publications: (PMID: 33388357, 33247415, 39569852, 38341631, 31053532)

3billion
Classification: Pathogenic for Dystonia 24. Last evaluated: 2023-12-11. Review status: criteria provided, single submitter. Criteria: ACMG Guidelines, 2015. Collection method: clinical testing. Allele origin: germline. Affected: yes.
Comment: The variant is not observed in the gnomAD v2.1.1 dataset. Predicted Consequence/Location: Missense changes are a common disease-causing mechanism. In silico tool predictions suggest damaging effect of the variant on gene or gene product [3Cnet: 0.96 (>=0.6, sensitivity 0.72 and precision 0.9)]. Same nucleotide change resulting in same amino acid change has been previously reported as pathogenic/likely pathogenic with strong evidence (ClinVar ID: VCV000651774 /PMID: 31053532). The variant has been previously reported as de novo in a similarly affected individual (PMID: 31053532). Therefore, this variant is classified as Pathogenic according to the recommendation of ACMG/AMP guideline.

Institute of Human Genetics Munich, TUM University Hospital
Classification: Likely pathogenic for Dystonia 24. Last evaluated: 2023-01-30. Review status: criteria provided, single submitter. Criteria: Classification criteria August 2017. Collection method: clinical testing. Allele origin: germline. Inheritance: Autosomal dominant inheritance. Affected: yes. Observed: 1 variant allele.

Labcorp Genetics (formerly Invitae), Labcorp
Classification: Likely pathogenic for Dystonic disorder. Last evaluated: 2020-07-21. Review status: criteria provided, single submitter. Criteria: Invitae Variant Classification Sherloc (09022015). Collection method: clinical testing. Allele origin: germline.
Comment: Algorithms developed to predict the effect of missense changes on protein structure and function are either unavailable or do not agree on the potential impact of this missense change (SIFT: "Deleterious"; PolyPhen-2: "Probably Damaging"; Align-GVGD: "Class C0"). In summary, the currently available evidence indicates that the variant is pathogenic, but additional data are needed to prove that conclusively. Therefore, this variant has been classified as Likely Pathogenic. Algorithms developed to predict the effect of sequence changes on RNA splicing suggest that this variant may create or strengthen a splice site, but this prediction has not been confirmed by published transcriptional studies. This variant has been observed in individual(s) with dystonia (PMID: 31053532). In at least one individual the variant was observed to be de novo. ClinVar contains an entry for this variant (Variation ID: 651774). This variant is not present in population databases (ExAC no frequency). This sequence change replaces asparagine with serine at codon 648 of the ANO3 protein (p.Asn648Ser). The asparagine residue is highly conserved and there is a small physicochemical difference between asparagine and serine.

Literature cited by the submitters: PubMed 31053532 (cited by 3billion and Labcorp Genetics (formerly Invitae), Labcorp).

NM_031418.4(ANO3):c.1943A>G (p.Asn648Ser)

Gene: ANO3 (anoctamin 3; plus strand). Cytogenetic location: 11p14.2.
Variant type: single nucleotide variant.
Coding change: c.1943A>G on transcript NM_031418.4 (MANE Select); coding-DNA position 1943, A replaced by G.
Protein change: p.Asn648Ser; replaces asparagine 648 with serine.
Molecular consequence: missense variant.
Genome position (GRCh38, 1-based): chr11:26,634,273, A>G. VCF-style: chr11-26634273-A-G. GRCh37 (hg19) VCF-style: chr11-26655820-A-G.
Other names: c.2126A>G, p.Asn709Ser (NM_001313726.2); c.1505A>G, p.Asn502Ser (NM_001313727.2); short protein forms N709S, N502S, N648S.
Identifiers: ClinVar variation 651774 (VCV000651774.12), dbSNP rs1590658782, ClinGen allele CA379934008.
Genomic context (GRCh38, chr11:26,634,273, plus strand): 5'-GAACAGAATCAGAGTGGGAAAACAGCTTCGCCCTGAAGATGTTCCTCTTCCAGTTTGTCA[A>G]TTTAAACAGTTCCATCTTCTATATCGCTTTCTTTTTGGGAAGGTAAGTCAACTTTTTGTA-3'
Protein context (NP_113606.2, residues 638-658): ALKMFLFQFV[Asn648Ser]LNSSIFYIAF